The following is an entry in ClinVar:

NM_001165963.4(SCN1A):c.80G>C (p.Arg27Thr)

Gene: SCN1A (sodium voltage-gated channel alpha subunit 1; minus strand). Cytogenetic location: 2q24.3.
Variant type: single nucleotide variant.
Coding change: c.80G>C on transcript NM_001165963.4 (MANE Select); coding-DNA position 80, G replaced by C.
Protein change: p.Arg27Thr; replaces arginine 27 with threonine.
Molecular consequence: missense variant. On other transcripts: 5 prime UTR variant (1), non-coding transcript variant (1).
Genome position (GRCh38, 1-based): chr2:166,073,542, C>G on the plus strand (G>C on the coding strand, the complement: SCN1A is on the minus strand). VCF-style: chr2-166073542-C-G. GRCh37 (hg19) VCF-style: chr2-166930052-C-G.
Other names: p.R27T:AGA>ACA; c.80G>C, p.Arg27Thr (NM_001165964.3, NM_001202435.3, NM_001353948.2 and 10 more transcripts); c.-2346G>C (NM_001353961.2); short protein forms R27T.
Identifiers: ClinVar variation 68582 (VCV000068582.55), dbSNP rs121917906, ClinGen allele CA266095.

ClinVar aggregate classification (germline): Likely benign. Review status: criteria provided, multiple submitters, no conflicts (2 of 4 stars). 6 submissions from 6 submitters: Likely benign (5). 1 of the submissions does not count toward it. Last evaluated 2026-07-01.

Conditions:
Early-infantile DEE. Also called: Ohtahara syndrome; Early infantile epileptic encephalopathy with suppression bursts; Early infantile epileptic encephalopathy. Identifiers: Orphanet 1934, MedGen C0393706, MONDO:0800491.
Inborn genetic diseases. Identifiers: MedGen C0950123, MeSH D030342.
Generalized epilepsy with febrile seizures plus, type 1 (GEFSP1). Also called: GEFS+, TYPE 1. Identifiers: Orphanet 36387, MedGen C1858672, MONDO:0011416, OMIM 604233.

Allele frequency attached by ClinVar (database versions not stated): ExAC 0.00012; ESP Exome Variant Server 0.00023; gnomAD 0.00005 and 0.00006; TOPMed 0.00005; gnomAD exomes 0.00007 and 0.00009.
gnomAD v4.1: 113 of 1,614,018 alleles (0.007%); highest among the groups gnomAD compares: Middle Eastern, 0.066%; no homozygotes.

Submissions (6):

CeGaT Center for Human Genetics Tuebingen
Classification: Likely benign. Last evaluated: 2026-07-01. Review status: criteria provided, single submitter. Criteria: CeGaT Center For Human Genetics Tuebingen Variant Classification Criteria Version 2. Collection method: clinical testing. Allele origin: germline. Affected: yes. Observed: 9 variant alleles.
Comment: SCN1A: BP5

Labcorp Genetics (formerly Invitae), Labcorp
Classification: Likely benign for Early-infantile DEE. Last evaluated: 2026-01-26. Review status: criteria provided, single submitter. Criteria: Invitae Variant Classification Sherloc (09022015). Collection method: clinical testing. Allele origin: germline.

Ambry Genetics
Classification: Likely benign for Inborn genetic diseases. Last evaluated: 2024-08-01. Review status: criteria provided, single submitter. Criteria: Ambry Variant Classification Scheme 2023. Collection method: clinical testing. Allele origin: germline.

Blueprint Genetics
Classification: Likely benign. Last evaluated: 2024-06-10. Review status: criteria provided, single submitter. Criteria: ACMG Guidelines, 2015. Collection method: clinical testing. Allele origin: germline.

GeneDx
Classification: Likely benign. Last evaluated: 2021-04-16. Review status: criteria provided, single submitter. Criteria: GeneDx Variant Classification Process June 2021. Collection method: clinical testing. Allele origin: germline. Affected: yes.
Comment: This variant is associated with the following publications: (PMID: 20729507, 21719429, 27231140, 26990884, 33108073, 28005047)

UniProtKB/Swiss-Prot
No classification provided. Condition: Generalized epilepsy with febrile seizures plus, type 1. Review status: no classification provided. Collection method: not provided. Allele origin: unknown. Not counted in ClinVar's aggregate classification.